The following is an entry in ClinVar:

NM_003745.2(SOCS1):c.324G>A (p.Gln108=)

Gene: SOCS1 (suppressor of cytokine signaling 1; minus strand). Cytogenetic location: 16p13.13.
Variant type: single nucleotide variant.
Coding change: c.324G>A on transcript NM_003745.2 (MANE Select); coding-DNA position 324, G replaced by A.
Protein change: p.Gln108=; no amino-acid change (glutamine 108 retained).
Molecular consequence: synonymous variant.
Genome position (GRCh38, 1-based): chr16:11,255,155, C>T on the plus strand (G>A on the coding strand, the complement: SOCS1 is on the minus strand). VCF-style: chr16-11255155-C-T. GRCh37 (hg19) VCF-style: chr16-11349012-C-T.
Identifiers: ClinVar variation 4855670 (VCV004855670.1).

ClinVar aggregate classification (germline): Uncertain significance (1 of 4 stars; one submission).

Conditions:
Autoinflammatory syndrome with immunodeficiency. Also called: AUTOINFLAMMATORY SYNDROME, FAMILIAL, WITH OR WITHOUT IMMUNODEFICIENCY. Identifiers: MedGen C5543547, MONDO:0800130, OMIM 619375.

gnomAD v4.1: 2 of 1,602,068 alleles (0.00012%); highest among the groups gnomAD compares: Non-Finnish European, 0.00017%; no homozygotes.

Submission:

3billion
Classification: Uncertain significance for Autoinflammatory syndrome with immunodeficiency. Last evaluated: 2025-09-10. Review status: criteria provided, single submitter. Criteria: ACMG Guidelines, 2015. Collection method: clinical testing. Allele origin: germline. Affected: yes.
Comment: The variant is observed at an extremely low frequency in the gnomAD v4.1.0 dataset (total allele frequency: <0.001%). Predicted Consequence/Location: Synonymous variant In silico tools predict the variant to alter splicing and produce an abnormal transcript [SpliceAI: 0.24 (>=0.2, moderate evidence for spliceogenicity)]. Therefore, this variant is classified as VUS according to the recommendation of ACMG/AMP guideline.